The following is an entry in ClinVar:

NM_021116.4(ADCY1):c.415C>T (p.Pro139Ser)

Gene: ADCY1 (adenylate cyclase 1; plus strand). Cytogenetic location: 7p12.3.
Variant type: single nucleotide variant.
Coding change: c.415C>T on transcript NM_021116.4 (MANE Select); coding-DNA position 415, C replaced by T.
Protein change: p.Pro139Ser; replaces proline 139 with serine.
Molecular consequence: missense variant. On other transcripts: 5 prime UTR variant (1).
Genome position (GRCh38, 1-based): chr7:45,574,958, C>T. VCF-style: chr7-45574958-C-T. GRCh37 (hg19) VCF-style: chr7-45614557-C-T.
Other names: c.-261C>T (NM_001281768.2); short protein forms P139S.
Identifiers: ClinVar variation 1450370 (VCV001450370.6), dbSNP rs2115677876, ClinGen allele CA367558675.

ClinVar aggregate classification (germline): Uncertain significance (1 of 4 stars; one submission).

Submission:

Labcorp Genetics (formerly Invitae), Labcorp
Classification: Uncertain significance. Last evaluated: 2021-12-08. Review status: criteria provided, single submitter. Criteria: Invitae Variant Classification Sherloc (09022015). Collection method: clinical testing. Allele origin: germline.
Comment: In summary, the available evidence is currently insufficient to determine the role of this variant in disease. Therefore, it has been classified as a Variant of Uncertain Significance. Algorithms developed to predict the effect of missense changes on protein structure and function are either unavailable or do not agree on the potential impact of this missense change (SIFT: "Deleterious"; PolyPhen-2: "Probably Damaging"; Align-GVGD: "Class C0"). This variant has not been reported in the literature in individuals affected with ADCY1-related conditions. This variant is not present in population databases (gnomAD no frequency). This sequence change replaces proline, which is neutral and non-polar, with serine, which is neutral and polar, at codon 139 of the ADCY1 protein (p.Pro139Ser).